The following is an entry in ClinVar:

NM_001267550.2(TTN):c.32705C>T (p.Ala10902Val)

Gene: TTN (titin; minus strand). Cytogenetic location: 2q31.2.
Variant type: single nucleotide variant.
Coding change: c.32705C>T on transcript NM_001267550.2 (MANE Select); coding-DNA position 32705, C replaced by T.
Protein change: p.Ala10902Val; replaces alanine 10902 with valine.
Molecular consequence: missense variant. On other transcripts: intron variant (3).
Genome position (GRCh38, 1-based): chr2:178,684,347, G>A on the plus strand (C>T on the coding strand, the complement: TTN is on the minus strand). VCF-style: chr2-178684347-G-A. GRCh37 (hg19) VCF-style: chr2-179549074-G-A.
Other names: p.A10585V:GCG>GTG; c.31754C>T, p.Ala10585Val (NM_001256850.1); c.28973C>T, p.Ala9658Val (NM_133378.4); c.13283-42030C>T (NM_003319.4); c.13859-42030C>T (NM_133437.4); c.13658-42030C>T (NM_133432.3); short protein forms A10585V, A10902V, A9658V.
Identifiers: ClinVar variation 202575 (VCV000202575.10), dbSNP rs778076110, ClinGen allele CA309635.

ClinVar aggregate classification (germline): Conflicting classifications of pathogenicity. Review status: criteria provided, conflicting classifications (1 of 4 stars). 6 submissions from 6 submitters: Uncertain significance (3); Likely benign (3). Last evaluated 2026-08-01.

Conditions:
Tibial muscular dystrophy (TMD). Also called: Tibial muscular dystrophy, tardive; UDD MYOPATHY; Udd Distal Myopathy – Tibial Muscular Dystrophy. Identifiers: Orphanet 609, MedGen C1838244, MONDO:0010870, OMIM 600334.
Autosomal recessive limb-girdle muscular dystrophy type 2J (LGMDR10). Also called: Limb-girdle muscular dystrophy, type 2J; MUSCULAR DYSTROPHY, LIMB-GIRDLE, AUTOSOMAL RECESSIVE 10. Identifiers: Orphanet 140922, MedGen C1837342, MONDO:0012127, OMIM 608807.
TTN-related disorder. Also called: TTN-related disorders; TTN-related condition; TTN-related disease.

Allele frequency attached by ClinVar (database versions not stated): gnomAD exomes 0.00003; TOPMed 0.00003; gnomAD 0.00006; ExAC 0.00003.
gnomAD v4.1: 69 of 1,613,230 alleles (0.0043%); highest among the groups gnomAD compares: Non-Finnish European, 0.0053%; no homozygotes.

Submissions (6):

CeGaT Center for Human Genetics Tuebingen
Classification: Uncertain significance. Last evaluated: 2026-08-01. Review status: criteria provided, single submitter. Criteria: CeGaT Center For Human Genetics Tuebingen Variant Classification Criteria Version 2. Collection method: clinical testing. Allele origin: germline. Affected: yes. Observed: 1 variant allele.
Comment: TTN: PM2, BP4

PreventionGenetics, part of Exact Sciences
Classification: Uncertain significance for TTN-related condition. Last evaluated: 2025-10-10. Review status: criteria provided, single submitter. Criteria: ACMG Guidelines, 2015. Collection method: clinical testing. Allele origin: germline.
Comment: The TTN c.32705C>T variant is predicted to result in the amino acid substitution p.Ala10902Val. To our knowledge, this variant has not been reported in the literature. This variant is reported in 0.0062% of alleles in individuals of European (Non-Finnish) descent in gnomAD. At this time, the clinical significance of this variant is uncertain due to the absence of conclusive functional and genetic evidence.

Institute of Immunology and Genetics Kaiserslautern
Classification: Uncertain significance for Tibial muscular dystrophy; Autosomal recessive limb-girdle muscular dystrophy type 2J. Last evaluated: 2025-10-07. Review status: criteria provided, single submitter. Criteria: ACMG Guidelines, 2015. Collection method: clinical testing. Allele origin: germline. Affected: yes.
Comment: ACMG Criteria: PM2_P, BP6; Variant was found in heterozygous state together with TTN-variant c.107840T>A,p.(Ile35947Asn).

Molecular Diagnostic Laboratory for Inherited Cardiovascular Disease, Montreal Heart Institute
Classification: Likely benign. Last evaluated: 2025-04-09. Review status: criteria provided, single submitter. Criteria: ACMG Guidelines, 2015. Collection method: clinical testing. Allele origin: germline. Affected: no.

Blueprint Genetics
Classification: Likely benign. Last evaluated: 2024-07-05. Review status: criteria provided, single submitter. Criteria: ACMG Guidelines, 2015. Collection method: clinical testing. Allele origin: germline.

GeneDx
Classification: Likely benign. Last evaluated: 2020-10-08. Review status: criteria provided, single submitter. Criteria: GeneDx Variant Classification Process June 2021. Collection method: clinical testing. Allele origin: germline. Affected: yes.